The following is an entry in ClinVar:

NM_004285.4(H6PD):c.1343C>T (p.Ala448Val)

Gene: H6PD (hexose-6-phosphate dehydrogenase/glucose 1-dehydrogenase; plus strand). Cytogenetic location: 1p36.22.
Variant type: single nucleotide variant.
Coding change: c.1343C>T on transcript NM_004285.4 (MANE Select); coding-DNA position 1343, C replaced by T.
Protein change: p.Ala448Val; replaces alanine 448 with valine.
Molecular consequence: missense variant.
Genome position (GRCh38, 1-based): chr1:9,263,836, C>T. VCF-style: chr1-9263836-C-T. GRCh37 (hg19) VCF-style: chr1-9323895-C-T.
Other names: c.1376C>T, p.Ala459Val (NM_001282587.2); short protein forms A448V, A459V.
Identifiers: ClinVar variation 1345569 (VCV001345569.7), dbSNP rs147962990, ClinGen allele CA575284.

ClinVar aggregate classification (germline): Uncertain significance (1 of 4 stars; one submission).

Allele frequency attached by ClinVar (database versions not stated): gnomAD 0.00067 and 0.00068; TOPMed 0.00076; gnomAD exomes 0.00081; ExAC 0.00084; ESP Exome Variant Server 0.00100.
gnomAD v4.1: 1,549 of 1,613,960 alleles (0.096%); highest among the groups gnomAD compares: Middle Eastern, 0.26%; 2 homozygotes.

Submission:

Labcorp Genetics (formerly Invitae), Labcorp
Classification: Uncertain significance. Last evaluated: 2024-12-25. Review status: criteria provided, single submitter. Criteria: Invitae Variant Classification Sherloc (09022015). Collection method: clinical testing. Allele origin: germline.
Comment: This sequence change replaces alanine, which is neutral and non-polar, with valine, which is neutral and non-polar, at codon 448 of the H6PD protein (p.Ala448Val). This variant is present in population databases (rs147962990, gnomAD 0.1%), and has an allele count higher than expected for a pathogenic variant. This variant has not been reported in the literature in individuals affected with H6PD-related conditions. ClinVar contains an entry for this variant (Variation ID: 1345569). Invitae Evidence Modeling of protein sequence and biophysical properties (such as structural, functional, and spatial information, amino acid conservation, physicochemical variation, residue mobility, and thermodynamic stability) indicates that this missense variant is not expected to disrupt H6PD protein function with a negative predictive value of 80%. In summary, the available evidence is currently insufficient to determine the role of this variant in disease. Therefore, it has been classified as a Variant of Uncertain Significance.